The following is an entry in ClinVar:

NM_025114.4(CEP290):c.5707A>G (p.Lys1903Glu)

Gene: CEP290 (centrosomal protein 290; minus strand). Cytogenetic location: 12q21.32.
Variant type: single nucleotide variant.
Coding change: c.5707A>G on transcript NM_025114.4 (MANE Select); coding-DNA position 5707, A replaced by G.
Protein change: p.Lys1903Glu; replaces lysine 1903 with glutamic acid.
Molecular consequence: missense variant.
Genome position (GRCh38, 1-based): chr12:88,077,224, T>C on the plus strand (A>G on the coding strand, the complement: CEP290 is on the minus strand). VCF-style: chr12-88077224-T-C. GRCh37 (hg19) VCF-style: chr12-88471001-T-C.
Other names: c.5707A>G (NM_025114.3); short protein forms K1903E.
Identifiers: ClinVar variation 1352760 (VCV001352760.4), dbSNP rs878855334, ClinGen allele CA385987173.

ClinVar aggregate classification (germline): Uncertain significance. Review status: criteria provided, multiple submitters, no conflicts (2 of 4 stars). 2 submissions from 2 submitters: Uncertain significance (2). Last evaluated 2026-06-09.

Conditions:
Joubert syndrome. Also called: Familial aplasia of the vermis; JOUBERT-BOLTSHAUSER SYNDROME. Identifiers: Orphanet 475, MedGen C5979921, MONDO:0018772.
Nephronophthisis. Also called: Juvenile Nephronophthisis. Identifiers: Orphanet 655, MedGen C0687120, MONDO:0019005, HP:0000090.
Meckel-Gruber syndrome. Also called: Dysencephalia splachnocystica; GRUBER SYNDROME; DYSENCEPHALIA SPLANCHNOCYSTICA. Identifiers: Orphanet 564, MedGen C0265215, MONDO:0018921.
CEP290-related disorder. Also called: CEP290-related condition; CEP290-related disorders. Identifiers: MedGen CN239314.

Allele frequency attached by ClinVar (database versions not stated): gnomAD exomes below 0.00001; gnomAD 0.00001.
gnomAD v4.1: 2 of 1,600,384 alleles (0.00012%); highest among the groups gnomAD compares: Admixed American, 0.0035%; no homozygotes.

Submissions (2):

PreventionGenetics, part of Exact Sciences
Classification: Uncertain significance for CEP290-related condition. Last evaluated: 2026-06-09. Review status: criteria provided, single submitter. Criteria: ACMG Guidelines, 2015. Collection method: clinical testing. Allele origin: germline.
Comment: The CEP290 c.5707A>G variant is predicted to result in the amino acid substitution p.Lys1903Glu. To our knowledge, this variant has not been reported in the literature. This variant is reported in 0.0061% of alleles in individuals of Latino descent in gnomAD. At this time, the clinical significance of this variant is uncertain due to the absence of conclusive functional and genetic evidence.

Labcorp Genetics (formerly Invitae), Labcorp
Classification: Uncertain significance for Joubert syndrome; Meckel-Gruber syndrome; Nephronophthisis. Last evaluated: 2021-12-14. Review status: criteria provided, single submitter. Criteria: Invitae Variant Classification Sherloc (09022015). Collection method: clinical testing. Allele origin: germline.
Comment: This sequence change replaces lysine, which is basic and polar, with glutamic acid, which is acidic and polar, at codon 1903 of the CEP290 protein (p.Lys1903Glu). The frequency data for this variant in the population databases is considered unreliable, as metrics indicate poor data quality at this position in the gnomAD database. This variant has not been reported in the literature in individuals affected with CEP290-related conditions. Algorithms developed to predict the effect of missense changes on protein structure and function are either unavailable or do not agree on the potential impact of this missense change (SIFT: "Tolerated"; PolyPhen-2: "Possibly Damaging"; Align-GVGD: "Class C0"). In summary, the available evidence is currently insufficient to determine the role of this variant in disease. Therefore, it has been classified as a Variant of Uncertain Significance.